The following is an entry in ClinVar:

ClinVar aggregate classification (germline): Pathogenic (1 of 4 stars; one submission).

Submission:

Labcorp Genetics (formerly Invitae), Labcorp
Classification: Pathogenic. Last evaluated: 2024-08-21. Review status: criteria provided, single submitter. Criteria: Invitae Variant Classification Sherloc (09022015). Collection method: clinical testing. Allele origin: germline.
Comment: This sequence change creates a premature translational stop signal (p.Leu2031Phefs*12) in the SPTA1 gene. It is expected to result in an absent or disrupted protein product. Loss-of-function variants in SPTA1 are known to be pathogenic (PMID: 9192783, 18815189, 31333484, 31723846, 32266426). This variant is not present in population databases (gnomAD no frequency). This variant has not been reported in the literature in individuals affected with SPTA1-related conditions. For these reasons, this variant has been classified as Pathogenic.

Literature cited by the submitters: PubMed 9192783; PubMed 18815189; PubMed 31333484; PubMed 31723846; PubMed 32266426.

NM_003126.4(SPTA1):c.6092dup (p.Leu2031fs)

Gene: SPTA1 (spectrin alpha, erythrocytic 1; minus strand). Cytogenetic location: 1q23.1.
Variant type: Duplication.
Coding change: c.6092dup on transcript NM_003126.4 (MANE Select); coding-DNA position 6092, one base duplicated (T; older notation c.6092dupT).
Protein change: p.Leu2031fs; shifts the reading frame from leucine 2031.
Molecular consequence: frameshift variant.
Genome position (GRCh38, 1-based): chr1:158,623,011, A duplicated on the plus strand (T on the coding strand, the reverse complement: SPTA1 is on the minus strand); the first of 2 consecutive A bases (chr1:158,623,011-158,623,012); duplicating either gives the same sequence. VCF-style (leftmost placement, unchanged base first): chr1-158623010-C-CA. GRCh37 (hg19) VCF-style: chr1-158592800-C-CA.
Other names: short protein forms L2031fs.
Identifiers: ClinVar variation 3663234 (VCV003663234.2).